The following is an entry in ClinVar:

ClinVar aggregate classification (germline): Uncertain significance (1 of 4 stars; one submission).

Submission:

Women's Health and Genetics/Laboratory Corporation of America, LabCorp
Classification: Uncertain significance. Last evaluated: 2024-12-03. Review status: criteria provided, single submitter. Criteria: LabCorp Variant Classification Summary - May 2015. Collection method: clinical testing. Allele origin: germline.
Comment: Variant summary: DYSF c.5765T>C (p.Leu1922Pro) results in a non-conservative amino acid change in the encoded protein sequence. Five of five in-silico tools predict a damaging effect of the variant on protein function. The variant was absent in 251456 control chromosomes (gnomAD). The available data on variant occurrences in the general population are insufficient to allow any conclusion about variant significance. c.5765T>C has been reported in the literature in an individual affected with Miyoshi muscular dystrophy 1 (Suzuki_2004). These data do not allow any conclusion about variant significance. To our knowledge, no experimental evidence demonstrating an impact on protein function has been reported. The following publication has been ascertained in the context of this evaluation (PMID: 15116377, 32400077). No submitters have cited clinical-significance assessments for this variant to ClinVar. Based on the evidence outlined above, the variant was classified as uncertain significance.

Literature cited by the submitters: PubMed 32400077; PubMed 15116377.

NM_001130987.2(DYSF):c.5882T>C (p.Leu1961Pro)

Gene: DYSF (dysferlin; plus strand). Cytogenetic location: 2p13.2.
Variant type: single nucleotide variant.
Coding change: c.5882T>C on transcript NM_001130987.2 (MANE Select); coding-DNA position 5882, T replaced by C.
Protein change: p.Leu1961Pro; replaces leucine 1961 with proline.
Molecular consequence: missense variant.
Genome position (GRCh38, 1-based): chr2:71,674,294, T>C. VCF-style: chr2-71674294-T-C. GRCh37 (hg19) VCF-style: chr2-71901424-T-C.
Other names: c.5768T>C, p.Leu1923Pro (NM_001130455.2); c.5723T>C, p.Leu1908Pro (NM_001130976.2); c.5786T>C, p.Leu1929Pro (NM_001130977.2); c.5828T>C, p.Leu1943Pro (NM_001130978.2); c.5858T>C, p.Leu1953Pro (NM_001130979.2); c.5816T>C, p.Leu1939Pro (NM_001130980.2); c.5879T>C, p.Leu1960Pro (NM_001130981.2); c.5861T>C, p.Leu1954Pro (NM_001130982.2); and 5 more; short protein forms L1908P, L1909P, L1922P, L1923P, L1929P, L1930P, L1939P, L1940P.
Identifiers: ClinVar variation 3768306 (VCV003768306.1).